The following is an entry in ClinVar:

NM_002473.6(MYH9):c.770-10A>G

Gene: MYH9 (myosin heavy chain 9; minus strand). Cytogenetic location: 22q12.3.
Variant type: single nucleotide variant.
Coding change: c.770-10A>G on transcript NM_002473.6 (MANE Select); 10 bases into the intron before coding-DNA position 770, A replaced by G.
Molecular consequence: intron variant.
Genome position (GRCh38, 1-based): chr22:36,320,906, T>C on the plus strand (A>G on the coding strand, the complement: MYH9 is on the minus strand). VCF-style: chr22-36320906-T-C. GRCh37 (hg19) VCF-style: chr22-36716951-T-C.
Identifiers: ClinVar variation 1310596 (VCV001310596.3), dbSNP rs2017239329, ClinGen allele CA2403813709.
Genomic context (GRCh38, chr22:36,320,906, plus strand): 5'-AGGTCCGTTCTTCCTTGGCTTGGCGGATAGCACGAGATTTCTCCAAAAGATCTTTGCAAA[T>C]ATTAAGGAGCAACACAAGCTGGGGAGAAGGCAAGCCCTCCACTTTCCTCATTTTTTTTTT-3'

ClinVar aggregate classification (germline): Likely benign (1 of 4 stars; one submission).

Allele frequency attached by ClinVar (database versions not stated): gnomAD exomes below 0.00001; TOPMed 0.00001.
gnomAD v4.1: 3 of 1,610,828 alleles (0.00019%); highest among the groups gnomAD compares: Non-Finnish European, 0.00025%; no homozygotes.

Submission:

GeneDx
Classification: Likely benign. Last evaluated: 2022-05-20. Review status: criteria provided, single submitter. Criteria: GeneDx Variant Classification Process June 2021. Collection method: clinical testing. Allele origin: germline. Affected: yes.
Comment: See Variant Classification Assertion Criteria.